The following is an entry in ClinVar:

NM_001082486.2(ACD):c.1019C>G (p.Pro340Arg)

Gene: ACD (ACD shelterin complex subunit and telomerase recruitment factor; minus strand). Cytogenetic location: 16q22.1.
Variant type: single nucleotide variant.
Coding change: c.1019C>G on transcript NM_001082486.2 (MANE Select); coding-DNA position 1019, C replaced by G.
Protein change: p.Pro340Arg; replaces proline 340 with arginine.
Molecular consequence: missense variant.
Genome position (GRCh38, 1-based): chr16:67,658,173, G>C on the plus strand (C>G on the coding strand, the complement: ACD is on the minus strand). VCF-style: chr16-67658173-G-C. GRCh37 (hg19) VCF-style: chr16-67692076-G-C.
Other names: c.932C>G, p.Pro311Arg (NM_001410884.1); c.1010C>G, p.Pro337Arg (NM_022914.3); short protein forms P337R, P340R, P311R.
Identifiers: ClinVar variation 3480131 (VCV003480131.1).

ClinVar aggregate classification (germline): Uncertain significance (1 of 4 stars; one submission).

Conditions:
Inborn genetic diseases. Identifiers: MedGen C0950123, MeSH D030342.

Submission:

Ambry Genetics
Classification: Uncertain significance for Inborn genetic diseases. Last evaluated: 2024-08-02. Review status: criteria provided, single submitter. Criteria: Ambry Variant Classification Scheme 2023. Collection method: clinical testing. Allele origin: germline.
Comment: The p.P426R variant (also known as c.1277C>G), located in coding exon 10 of the ACD gene, results from a C to G substitution at nucleotide position 1277. The proline at codon 426 is replaced by arginine, an amino acid with dissimilar properties. This amino acid position is conserved. In addition, this alteration is predicted to be tolerated by in silico analysis. Based on the available evidence, the clinical significance of this variant remains unclear.